The following is an entry in ClinVar:

ClinVar aggregate classification (germline): Uncertain significance (1 of 4 stars; one submission).

Conditions:
Succinate-semialdehyde dehydrogenase deficiency (SSADHD). Also called: 4-HYDROXYBUTYRIC ACIDURIA; GABA METABOLIC DEFECT; SSADH DEFICIENCY; Succinic Semialdehyde Dehydrogenase Deficiency. Identifiers: Orphanet 22, MedGen C0268631, MONDO:0010083, OMIM 271980.

gnomAD v4.1: 1 of 1,613,936 alleles (0.000062%); highest among the groups gnomAD compares: Non-Finnish European, 0.000085%; no homozygotes.

Submission:

Labcorp Genetics (formerly Invitae), Labcorp
Classification: Uncertain significance for Succinate-semialdehyde dehydrogenase deficiency. Last evaluated: 2022-08-22. Review status: criteria provided, single submitter. Criteria: Invitae Variant Classification Sherloc (09022015). Collection method: clinical testing. Allele origin: germline.
Comment: This sequence change replaces serine, which is neutral and polar, with cysteine, which is neutral and slightly polar, at codon 517 of the ALDH5A1 protein (p.Ser517Cys). This variant is not present in population databases (gnomAD no frequency). This variant has not been reported in the literature in individuals affected with ALDH5A1-related conditions. Advanced modeling of protein sequence and biophysical properties (such as structural, functional, and spatial information, amino acid conservation, physicochemical variation, residue mobility, and thermodynamic stability) performed at Invitae indicates that this missense variant is expected to disrupt ALDH5A1 protein function. In summary, the available evidence is currently insufficient to determine the role of this variant in disease. Therefore, it has been classified as a Variant of Uncertain Significance.

NM_001080.3(ALDH5A1):c.1550C>G (p.Ser517Cys)

Gene: ALDH5A1 (aldehyde dehydrogenase 5 family member A1; plus strand). Cytogenetic location: 6p22.3.
Variant type: single nucleotide variant.
Coding change: c.1550C>G on transcript NM_001080.3 (MANE Select); coding-DNA position 1550, C replaced by G.
Protein change: p.Ser517Cys; replaces serine 517 with cysteine.
Molecular consequence: missense variant.
Genome position (GRCh38, 1-based): chr6:24,533,654, C>G. VCF-style: chr6-24533654-C-G. GRCh37 (hg19) VCF-style: chr6-24533882-C-G.
Other names: c.1406C>G, p.Ser469Cys (NM_001368954.1); c.1589C>G, p.Ser530Cys (NM_170740.1); short protein forms S517C, S469C, S530C.
Identifiers: ClinVar variation 2156253 (VCV002156253.1), dbSNP rs201614055, ClinGen allele CA362967766.